The following is an entry in ClinVar:

ClinVar aggregate classification (germline): Pathogenic (1 of 4 stars; one submission).

Conditions:
Osteogenesis imperfecta type I (OI1). Also called: Lobstein's Disease; OI, TYPE I; OSTEOGENESIS IMPERFECTA TARDA; OSTEOGENESIS IMPERFECTA WITH BLUE SCLERAE; Osteogenesis imperfecta type 1; Lobstein disease. Identifiers: Orphanet 216796, Orphanet 666, MedGen C0023931, MONDO:0008146, OMIM 166200. Disease mechanism: loss of function.

Submission:

Labcorp Genetics (formerly Invitae), Labcorp
Classification: Pathogenic for Osteogenesis imperfecta type I. Last evaluated: 2024-10-08. Review status: criteria provided, single submitter. Criteria: Invitae Variant Classification Sherloc (09022015). Collection method: clinical testing. Allele origin: germline.
Comment: This sequence change creates a premature translational stop signal (p.Gly293Valfs*248) in the COL1A1 gene. It is expected to result in an absent or disrupted protein product. Loss-of-function variants in COL1A1 are known to be pathogenic (PMID: 7942841, 9295084, 9443882). This variant is not present in population databases (gnomAD no frequency). This variant has not been reported in the literature in individuals affected with COL1A1-related conditions. ClinVar contains an entry for this variant (Variation ID: 1366736). For these reasons, this variant has been classified as Pathogenic.

Literature cited by the submitters: PubMed 7942841; PubMed 9295084; PubMed 9443882.

NM_000088.4(COL1A1):c.878del (p.Gly293fs)

Genes: COL1A1 (collagen type I alpha 1 chain; minus strand), LOC126862586 (CDK7 strongly-dependent group 2 enhancer GRCh37_chr17:48273702-48274901; plus strand). Cytogenetic location: 17q21.33.
Variant type: Deletion.
Coding change: c.878del on transcript NM_000088.4 (MANE Select); coding-DNA position 878, one base deleted (G; older notation c.878delG).
Protein change: p.Gly293fs; shifts the reading frame from glycine 293.
Molecular consequence: frameshift variant.
Genome position (GRCh38, 1-based): chr17:50,196,509, C deleted on the plus strand (G on the coding strand, the reverse complement: COL1A1 is on the minus strand); the first of 2 consecutive C bases (chr17:50,196,509-50,196,510); deleting either gives the same sequence. VCF-style (leftmost placement, unchanged base first): chr17-50196508-AC-A. GRCh37 (hg19) VCF-style: chr17-48273869-AC-A.
Other names: short protein forms G293fs.
Identifiers: ClinVar variation 1366736 (VCV001366736.6), dbSNP rs2144581296, ClinGen allele CA2573154220.